The following is an entry in ClinVar:

ClinVar aggregate classification (germline): Likely pathogenic. Review status: criteria provided, multiple submitters, no conflicts (2 of 4 stars). 3 submissions from 3 submitters: Likely pathogenic (3). Last evaluated 2023-11-20.

Conditions:
Multiple congenital anomalies-hypotonia-seizures syndrome 1 (MCAHS1). Also called: PIGN-CDG; Congenital disorder of glycosylation due to PIGN deficiency; GLYCOSYLPHOSPHATIDYLINOSITOL BIOSYNTHESIS DEFECT 3. Identifiers: Orphanet 280633, MedGen C3279775, MONDO:0013563, OMIM 614080.
Multiple congenital anomalies-hypotonia-seizures syndrome. Identifiers: Orphanet 280633, MedGen C5191419, MONDO:0100247.

Allele frequency attached by ClinVar (database versions not stated): TOPMed below 0.00001.

Submissions (3):

Labcorp Genetics (formerly Invitae), Labcorp
Classification: Likely pathogenic for Multiple congenital anomalies-hypotonia-seizures syndrome 1. Last evaluated: 2023-11-20. Review status: criteria provided, single submitter. Criteria: Invitae Variant Classification Sherloc (09022015). Collection method: clinical testing. Allele origin: germline.
Comment: This sequence change affects a donor splice site in intron 8 of the PIGN gene. It is expected to disrupt RNA splicing. Variants that disrupt the donor or acceptor splice site typically lead to a loss of protein function (PMID: 16199547), and loss-of-function variants in PIGN are known to be pathogenic (PMID: 24253414, 27038415). This variant is not present in population databases (gnomAD no frequency). This variant has not been reported in the literature in individuals affected with PIGN-related conditions. ClinVar contains an entry for this variant (Variation ID: 505688). Algorithms developed to predict the effect of sequence changes on RNA splicing suggest that this variant may disrupt the consensus splice site. In summary, the currently available evidence indicates that the variant is pathogenic, but additional data are needed to prove that conclusively. Therefore, this variant has been classified as Likely Pathogenic.

Revvity Omics, Revvity
Classification: Likely pathogenic for Multiple congenital anomalies-hypotonia-seizures syndrome 1. Last evaluated: 2021-12-27. Review status: criteria provided, single submitter. Criteria: ACMG Guidelines, 2015. Collection method: clinical testing. Allele origin: germline.

Laboratory for Molecular Medicine, Mass General Brigham Personalized Medicine
Classification: Likely pathogenic for Multiple congenital anomalies-hypotonia-seizures syndrome 1. Last evaluated: 2017-03-21. Review status: criteria provided, single submitter. Criteria: LMM Criteria. Collection method: clinical testing. Allele origin: germline. Inheritance: Autosomal recessive inheritance. Observed: 1 variant allele.
Comment: The c.674+1G>A (NM_176787.4) variant in PIGN has not been previously reported in individuals with Multiple congenital anomalies-hypotonia-seizures syndrome and was absent from large population studies. This variant occurs in the invariant r egion (+/- 1,2) of the splice consensus sequence and is predicted to cause alter ed splicing leading to an abnormal or absent protein. Biallelic loss of function of the PIGN gene has been associated with Multiple congenital anomalies-hypoton ia-seizures syndrome. In summary, although additional studies are required to fu lly establish a null effect, the c.674+1G>A variant is likely pathogenic for Mul tiple congenital anomalies-hypotonia-seizures syndrome in an autosomal recessive manner based upon its predicted impact on protein function.

Literature cited by the submitters: PubMed 16199547 (cited by Labcorp Genetics (formerly Invitae), Labcorp); PubMed 24253414 (cited by Labcorp Genetics (formerly Invitae), Labcorp); PubMed 27038415 (cited by Labcorp Genetics (formerly Invitae), Labcorp).

NM_176787.5(PIGN):c.674+1G>A

Gene: PIGN (phosphatidylinositol glycan anchor biosynthesis class N; minus strand). Cytogenetic location: 18q21.33.
Variant type: single nucleotide variant.
Coding change: c.674+1G>A on transcript NM_176787.5 (MANE Select); the canonical splice donor site of the intron after coding-DNA position 674, G replaced by A.
Molecular consequence: splice donor variant.
Genome position (GRCh38, 1-based): chr18:62,148,213, C>T on the plus strand (G>A on the coding strand, the complement: PIGN is on the minus strand). VCF-style: chr18-62148213-C-T. GRCh37 (hg19) VCF-style: chr18-59815446-C-T.
Other names: c.674+1G>A (NM_012327.6).
Identifiers: ClinVar variation 505688 (VCV000505688.11), dbSNP rs1555694770, ClinGen allele CA402601922.
Genomic context (GRCh38, chr18:62,148,213, plus strand): 5'-AAAAAGTTCAATAGAATAGCTGTTGCCCTAAAAAATACAATTAAACACAATATTAAATTA[C>T]CTCGAGGATGGTCGATGAGCATGTCCGTTTGTATCTATTCCTAATAAATGTAAGAAAAAA-3'